The following is an entry in ClinVar:

ClinVar aggregate classification (germline): Uncertain significance. Review status: criteria provided, multiple submitters, no conflicts (2 of 4 stars). 2 submissions from 2 submitters: Uncertain significance (2). Last evaluated 2024-05-24.

gnomAD v4.1: 40 of 1,613,966 alleles (0.0025%); highest among the groups gnomAD compares: Admixed American, 0.027%; no homozygotes.

Submissions (2):

GeneDx
Classification: Uncertain significance. Last evaluated: 2024-05-24. Review status: criteria provided, single submitter. Criteria: GeneDx Variant Classification Process June 2021. Collection method: clinical testing. Allele origin: germline. Affected: yes.
Comment: In silico analysis supports that this missense variant has a deleterious effect on protein structure/function; Has not been previously published as pathogenic or benign to our knowledge

Blueprint Genetics
Classification: Uncertain significance. Last evaluated: 2024-02-28. Review status: criteria provided, single submitter. Criteria: ACMG Guidelines, 2015. Collection method: clinical testing. Allele origin: germline.

NM_024876.4(COQ8B):c.1171C>T (p.Arg391Trp)

Gene: COQ8B (coenzyme Q8B; minus strand). Cytogenetic location: 19q13.2.
Variant type: single nucleotide variant.
Coding change: c.1171C>T on transcript NM_024876.4 (MANE Select); coding-DNA position 1171, C replaced by T.
Protein change: p.Arg391Trp; replaces arginine 391 with tryptophan.
Molecular consequence: missense variant.
Genome position (GRCh38, 1-based): chr19:40,696,027, G>A on the plus strand (C>T on the coding strand, the complement: COQ8B is on the minus strand). VCF-style: chr19-40696027-G-A. GRCh37 (hg19) VCF-style: chr19-41201932-G-A.
Other names: c.1048C>T, p.Arg350Trp (NM_001142555.3); short protein forms R350W, R391W.
Identifiers: ClinVar variation 3381279 (VCV003381279.2).